The following is an entry in ClinVar:

NM_001277115.2(DNAH11):c.811C>T (p.His271Tyr)

Gene: DNAH11 (dynein axonemal heavy chain 11; plus strand). Cytogenetic location: 7p15.3.
Variant type: single nucleotide variant.
Coding change: c.811C>T on transcript NM_001277115.2 (MANE Select); coding-DNA position 811, C replaced by T.
Protein change: p.His271Tyr; replaces histidine 271 with tyrosine.
Molecular consequence: missense variant.
Genome position (GRCh38, 1-based): chr7:21,559,721, C>T. VCF-style: chr7-21559721-C-T. GRCh37 (hg19) VCF-style: chr7-21599339-C-T.
Other names: short protein forms H271Y.
Identifiers: ClinVar variation 525414 (VCV000525414.11), dbSNP rs751575627, ClinGen allele CA4178785.

ClinVar aggregate classification (germline): Conflicting classifications of pathogenicity. Review status: criteria provided, conflicting classifications (1 of 4 stars). 2 submissions from 2 submitters: Uncertain significance (1); Benign (1). Last evaluated 2023-12-02.

Conditions:
Primary ciliary dyskinesia. Also called: Ciliary dyskinesia. Identifiers: Orphanet 244, MedGen C0008780, MONDO:0016575, HP:0012265.

Allele frequency attached by ClinVar (database versions not stated): gnomAD below 0.00001 and 0.00001; ExAC 0.00002; gnomAD exomes 0.00002 and 0.00004; TOPMed 0.00002.
gnomAD v4.1: 29 of 1,609,420 alleles (0.0018%); highest among the groups gnomAD compares: South Asian, 0.022%; no homozygotes.

Submissions (2):

Labcorp Genetics (formerly Invitae), Labcorp
Classification: Benign for Primary ciliary dyskinesia. Last evaluated: 2023-12-02. Review status: criteria provided, single submitter. Criteria: Invitae Variant Classification Sherloc (09022015). Collection method: clinical testing. Allele origin: germline.

Ambry Genetics
Classification: Uncertain significance for Primary ciliary dyskinesia. Last evaluated: 2022-12-17. Review status: criteria provided, single submitter. Criteria: Ambry Variant Classification Scheme 2023. Collection method: clinical testing. Allele origin: germline.
Comment: The p.H271Y variant (also known as c.811C>T), located in coding exon 4 of the DNAH11 gene, results from a C to T substitution at nucleotide position 811. The histidine at codon 271 is replaced by tyrosine, an amino acid with similar properties. This amino acid position is conserved. In addition, this alteration is predicted to be tolerated by in silico analysis. Since supporting evidence is limited at this time, the clinical significance of this alteration remains unclear.